The following is an entry in ClinVar:

NM_004327.4(BCR):c.2707+11_2707+12dup

Gene: BCR (BCR activator of RhoGEF and GTPase; plus strand). Cytogenetic location: 22q11.23.
Variant type: Duplication.
Coding change: c.2707+11_2707+12dup on transcript NM_004327.4 (MANE Select); bases 11 to 12 of the intron after coding-DNA position 2707, 2 bases duplicated (CC; older notation c.2707+11_2707+12dupCC).
Molecular consequence: intron variant.
Genome position (GRCh38, 1-based): chr22:23,289,632-23,289,633, CC duplicated; duplicating any 2 consecutive bases within chr22:23,289,627-23,289,633 gives the same sequence; the c. name uses the placement nearest the transcript's 3' end. VCF-style (leftmost placement, unchanged base first): chr22-23289626-G-GCC. GRCh37 (hg19) VCF-style: chr22-23631813-G-GCC.
Other names: c.2707+11_2707+12dup (NM_021574.3).
Identifiers: ClinVar variation 2652959 (VCV002652959.24), dbSNP rs113087899, ClinGen allele CA10142675.
Genomic context (GRCh38, chr22:23,289,626, plus strand): 5'-CTCGTGTGTGAAACTCCAGACTGTCCACAGCATTCCGCTGACCATCAATAAGGAAGGTGG[G>GCC]CCCCCCCGTTTCCGTGTACAGGGCACCTGCAGGGAGGGCAGGCAGCTAGCCTGAAGGCTG-3'

ClinVar aggregate classification (germline): Likely benign (1 of 4 stars; one submission).

Submission:

CeGaT Center for Human Genetics Tuebingen
Classification: Likely benign. Last evaluated: 2022-11-01. Review status: criteria provided, single submitter. Criteria: CeGaT Center For Human Genetics Tuebingen Variant Classification Criteria Version 2. Collection method: clinical testing. Allele origin: germline. Affected: yes. Observed: 1 variant allele.
Comment: BCR: BS2